The following is an entry in ClinVar:

ClinVar aggregate classification (germline): Uncertain significance. Review status: criteria provided, multiple submitters, no conflicts (2 of 4 stars). 2 submissions from 2 submitters: Uncertain significance (2). Last evaluated 2025-11-11.

Allele frequency attached by ClinVar (database versions not stated): gnomAD exomes below 0.00001; TOPMed 0.00002.
gnomAD v4.1: 2 of 1,552,260 alleles (0.00013%); highest among the groups gnomAD compares: Admixed American, 0.002%; no homozygotes.

Submissions (2):

Labcorp Genetics (formerly Invitae), Labcorp
Classification: Uncertain significance. Last evaluated: 2025-11-11. Review status: criteria provided, single submitter. Criteria: Invitae Variant Classification Sherloc (09022015). Collection method: clinical testing. Allele origin: germline.
Comment: This sequence change replaces proline, which is neutral and non-polar, with leucine, which is neutral and non-polar, at codon 103 of the TERF2IP protein (p.Pro103Leu). This variant is not present in population databases (gnomAD no frequency). This variant has not been reported in the literature in individuals affected with TERF2IP-related conditions. ClinVar contains an entry for this variant (Variation ID: 1727434). An algorithm developed to predict the effect of missense changes on protein structure and function outputs the following: PolyPhen-2: "Benign". The leucine amino acid residue is found in multiple mammalian species, which suggests that this missense change does not adversely affect protein function. In summary, the available evidence is currently insufficient to determine the role of this variant in disease. Therefore, it has been classified as a Variant of Uncertain Significance.

Ambry Genetics
Classification: Uncertain significance. Last evaluated: 2024-02-29. Review status: criteria provided, single submitter. Criteria: Ambry Variant Classification Scheme 2023. Collection method: clinical testing. Allele origin: germline.
Comment: The p.P103L variant (also known as c.308C>T), located in coding exon 1 of the TERF2IP gene, results from a C to T substitution at nucleotide position 308. The proline at codon 103 is replaced by leucine, an amino acid with similar properties. This amino acid position is conserved. In addition, this alteration is predicted to be tolerated by in silico analysis. Since supporting evidence is limited at this time, the clinical significance of this alteration remains unclear.

NM_018975.4(TERF2IP):c.308C>T (p.Pro103Leu)

Gene: TERF2IP (TERF2 interacting protein; plus strand). Cytogenetic location: 16q23.1.
Variant type: single nucleotide variant.
Coding change: c.308C>T on transcript NM_018975.4 (MANE Select); coding-DNA position 308, C replaced by T.
Protein change: p.Pro103Leu; replaces proline 103 with leucine.
Molecular consequence: missense variant. On other transcripts: non-coding transcript variant (1).
Genome position (GRCh38, 1-based): chr16:75,648,190, C>T. VCF-style: chr16-75648190-C-T. GRCh37 (hg19) VCF-style: chr16-75682088-C-T.
Other names: short protein forms P103L.
Identifiers: ClinVar variation 1727434 (VCV001727434.3), dbSNP rs972797880, ClinGen allele CA284334371.